The following is an entry in ClinVar:

NM_004168.4(SDHA):c.1794+8T>A

Gene: SDHA (succinate dehydrogenase complex flavoprotein subunit A; plus strand). Cytogenetic location: 5p15.33.
Variant type: single nucleotide variant.
Coding change: c.1794+8T>A on transcript NM_004168.4 (MANE Select); 8 bases into the intron after coding-DNA position 1794, T replaced by A.
Molecular consequence: intron variant.
Genome position (GRCh38, 1-based): chr5:251,476, T>A. VCF-style: chr5-251476-T-A. GRCh37 (hg19) VCF-style: chr5-251591-T-A.
Other names: c.1552-2917T>A (NM_001330758.2); c.1650+8T>A (NM_001294332.2).
Identifiers: ClinVar variation 417238 (VCV000417238.12), dbSNP rs1050394308, ClinGen allele CA16611847.

ClinVar aggregate classification (germline): Likely benign. Review status: criteria provided, multiple submitters, no conflicts (2 of 4 stars). 2 submissions from 2 submitters: Likely benign (2). Last evaluated 2026-01-18.

Conditions:
Mitochondrial complex II deficiency, nuclear type 1. Also called: SUCCINATE CoQ REDUCTASE DEFICIENCY. Identifiers: Orphanet 3208, MedGen C5700310, MONDO:0100294, OMIM 252011.
Pheochromocytoma/paraganglioma syndrome 5. Also called: SDHA-Related Hereditary Paraganglioma-Pheochromocytoma Syndrome; Paragangliomas 5. Identifiers: Orphanet 29072, MedGen C3279992, MONDO:0013602, OMIM 614165.

Allele frequency attached by ClinVar (database versions not stated): gnomAD 0.00001 and 0.00002; gnomAD exomes 0.00002; TOPMed 0.00002.
gnomAD v4.1: 27 of 1,613,762 alleles (0.0017%); highest among the groups gnomAD compares: Non-Finnish European, 0.002%; no homozygotes.

Submissions (2):

Labcorp Genetics (formerly Invitae), Labcorp
Classification: Likely benign for Pheochromocytoma/paraganglioma syndrome 5; Mitochondrial complex II deficiency, nuclear type 1. Last evaluated: 2026-01-18. Review status: criteria provided, single submitter. Criteria: Invitae Variant Classification Sherloc (09022015). Collection method: clinical testing. Allele origin: germline.

Myriad Genetics, Inc.
Classification: Likely benign for Pheochromocytoma/paraganglioma syndrome 5. Last evaluated: 2025-03-11. Review status: criteria provided, single submitter. Criteria: Myriad Autosomal Dominant, Autosomal Recessive and X-Linked Classification Criteria (2023). Collection method: clinical testing. Allele origin: unknown.
Comment: This variant is considered likely benign. This variant is intronic and is not expected to impact mRNA splicing.